The following is an entry in ClinVar:

NM_014285.7(EXOSC2):c.135G>A (p.Thr45=)

Gene: EXOSC2 (exosome component 2; plus strand). Cytogenetic location: 9q34.12.
Variant type: single nucleotide variant.
Coding change: c.135G>A on transcript NM_014285.7 (MANE Select); coding-DNA position 135, G replaced by A.
Protein change: p.Thr45=; no amino-acid change (threonine 45 retained).
Molecular consequence: synonymous variant. On other transcripts: non-coding transcript variant (1).
Genome position (GRCh38, 1-based): chr9:130,695,504, G>A. VCF-style: chr9-130695504-G-A. GRCh37 (hg19) VCF-style: chr9-133570891-G-A.
Other names: c.135G>A, p.Thr45= (NM_001282708.1, NM_001282709.1).
Identifiers: ClinVar variation 1165148 (VCV001165148.22), dbSNP rs550383127, ClinGen allele CA5284762.

ClinVar aggregate classification (germline): Benign/Likely benign. Review status: criteria provided, multiple submitters, no conflicts (2 of 4 stars). 2 submissions from 2 submitters: Benign (1); Likely benign (1). Last evaluated 2026-03-01.

Allele frequency attached by ClinVar (database versions not stated): gnomAD 0.00002 and 0.00021; TOPMed 0.00009; gnomAD exomes 0.00049 and 0.00093; 1000 Genomes Project 0.00100; ExAC 0.00100; 1000 Genomes Project 30x 0.00109.
gnomAD v4.1: 745 of 1,614,058 alleles (0.046%); highest among the groups gnomAD compares: South Asian, 0.71%; 17 homozygotes.

Submissions (2):

CeGaT Center for Human Genetics Tuebingen
Classification: Likely benign. Last evaluated: 2026-03-01. Review status: criteria provided, single submitter. Criteria: CeGaT Center For Human Genetics Tuebingen Variant Classification Criteria Version 2. Collection method: clinical testing. Allele origin: germline. Affected: yes. Observed: 2 variant alleles.
Comment: EXOSC2: BP4, BP7, BS2

Labcorp Genetics (formerly Invitae), Labcorp
Classification: Benign. Last evaluated: 2025-11-12. Review status: criteria provided, single submitter. Criteria: Invitae Variant Classification Sherloc (09022015). Collection method: clinical testing. Allele origin: germline.